The following is an entry in ClinVar:

NM_031935.3(HMCN1):c.3086C>T (p.Ser1029Leu)

Gene: HMCN1 (hemicentin 1; plus strand). Cytogenetic location: 1q31.1.
Variant type: single nucleotide variant.
Coding change: c.3086C>T on transcript NM_031935.3 (MANE Select); coding-DNA position 3086, C replaced by T.
Protein change: p.Ser1029Leu; replaces serine 1029 with leucine.
Molecular consequence: missense variant.
Genome position (GRCh38, 1-based): chr1:185,989,525, C>T. VCF-style: chr1-185989525-C-T. GRCh37 (hg19) VCF-style: chr1-185958657-C-T.
Other names: short protein forms S1029L.
Identifiers: ClinVar variation 4747975 (VCV004747975.1).
Genomic context (GRCh38, chr1:185,989,525, plus strand): 5'-TTGCTTTTCGCCGTGTTTTGCAGAAAGGAGAGCTGATTTCAACCAGCAGTGCTAAGTTTT[C>T]AGCAGGAGCTGATGGTAGTCTGTATGTGGTATCACCTGGAGGAGAGGAGAGTGGGGAGTA-3'
Protein context (NP_114141.2, residues 1019-1039): ELISTSSAKF[Ser1029Leu]AGADGSLYVV

ClinVar aggregate classification (germline): Uncertain significance (1 of 4 stars; one submission).

gnomAD v4.1: 1 of 1,614,024 alleles (0.000062%); highest among the groups gnomAD compares: East Asian, 0.0022%; no homozygotes.

Submission:

Labcorp Genetics (formerly Invitae), Labcorp
Classification: Uncertain significance. Last evaluated: 2025-06-04. Review status: criteria provided, single submitter. Criteria: Invitae Variant Classification Sherloc (09022015). Collection method: clinical testing. Allele origin: germline.
Comment: This sequence change replaces serine, which is neutral and polar, with leucine, which is neutral and non-polar, at codon 1029 of the HMCN1 protein (p.Ser1029Leu). This variant is not present in population databases (gnomAD no frequency). This variant has not been reported in the literature in individuals affected with HMCN1-related conditions. An algorithm developed to predict the effect of missense changes on protein structure and function outputs the following: PolyPhen-2: "Probably Damaging". The leucine amino acid residue is found in multiple mammalian species, which suggests that this missense change does not adversely affect protein function. In summary, the available evidence is currently insufficient to determine the role of this variant in disease. Therefore, it has been classified as a Variant of Uncertain Significance.